The following is an entry in ClinVar:

NM_005120.3(MED12):c.6090G>T (p.Met2030Ile)

Gene: MED12 (mediator complex subunit 12; plus strand). Cytogenetic location: Xq13.1.
Variant type: single nucleotide variant.
Coding change: c.6090G>T on transcript NM_005120.3 (MANE Select); coding-DNA position 6090, G replaced by T.
Protein change: p.Met2030Ile; replaces methionine 2030 with isoleucine.
Molecular consequence: missense variant.
Genome position (GRCh38, 1-based): chrX:71,140,680, G>T. VCF-style: chrX-71140680-G-T. GRCh37 (hg19) VCF-style: chrX-70360530-G-T.
Other names: short protein forms M2030I.
Identifiers: ClinVar variation 3906710 (VCV003906710.1).
Genomic context (GRCh38, chrX:71,140,680, plus strand): 5'-CTCTTATCTTTGGAGGTTTTCACACCAGACACTGCAGCAGACACCCATGATAAGTACCAT[G>T]ACTCCAATGAGTGCCCAGGGCGTCCAGGCAGGCGTCCGTTCAACAGCCATCCTACCTGAG-3'
Protein context (NP_005111.2, residues 2020-2040): TLQQTPMIST[Met2030Ile]TPMSAQGVQA

ClinVar aggregate classification (germline): Uncertain significance (1 of 4 stars; one submission).

Submission:

GeneDx
Classification: Uncertain significance. Last evaluated: 2024-12-18. Review status: criteria provided, single submitter. Criteria: GeneDx Variant Classification Process June 2021. Collection method: clinical testing. Allele origin: germline. Affected: yes.
Comment: Not observed at significant frequency in large population cohorts (gnomAD); In silico analysis indicates that this missense variant does not alter protein structure/function; Has not been previously published as pathogenic or benign to our knowledge